The following is an entry in ClinVar:

NM_021922.3(FANCE):c.328C>T (p.Pro110Ser)

Gene: FANCE (FA complementation group E; plus strand). Cytogenetic location: 6p21.31.
Variant type: single nucleotide variant.
Coding change: c.328C>T on transcript NM_021922.3 (MANE Select); coding-DNA position 328, C replaced by T.
Protein change: p.Pro110Ser; replaces proline 110 with serine.
Molecular consequence: missense variant.
Genome position (GRCh38, 1-based): chr6:35,455,826, C>T. VCF-style: chr6-35455826-C-T. GRCh37 (hg19) VCF-style: chr6-35423603-C-T.
Other names: short protein forms P110S.
Identifiers: ClinVar variation 1417394 (VCV001417394.6), dbSNP rs763968547, ClinGen allele CA3771388.

ClinVar aggregate classification (germline): Uncertain significance (1 of 4 stars; one submission).

Conditions:
Fanconi anemia complementation group E (FANCE). Also called: FANCE-Related Fanconi Anemia. Identifiers: Orphanet 84, MedGen C3160739, MONDO:0010953, OMIM 600901.

Allele frequency attached by ClinVar (database versions not stated): ExAC 0.00001; gnomAD 0.00001; gnomAD exomes 0.00001.

Submission:

Labcorp Genetics (formerly Invitae), Labcorp
Classification: Uncertain significance for Fanconi anemia complementation group E. Last evaluated: 2021-12-01. Review status: criteria provided, single submitter. Criteria: Invitae Variant Classification Sherloc (09022015). Collection method: clinical testing. Allele origin: germline.
Comment: This sequence change replaces proline, which is neutral and non-polar, with serine, which is neutral and polar, at codon 110 of the FANCE protein (p.Pro110Ser). This variant is present in population databases (rs763968547, gnomAD 0.009%). This variant has not been reported in the literature in individuals affected with FANCE-related conditions. Algorithms developed to predict the effect of missense changes on protein structure and function are either unavailable or do not agree on the potential impact of this missense change (SIFT: "Deleterious"; PolyPhen-2: "Probably Damaging"; Align-GVGD: "Class C0"). In summary, the available evidence is currently insufficient to determine the role of this variant in disease. Therefore, it has been classified as a Variant of Uncertain Significance.